The following is an entry in ClinVar:

ClinVar aggregate classification (germline): Uncertain significance (1 of 4 stars; one submission).

Conditions:
Hypertrophic cardiomyopathy. Also called: HYPERTROPHIC MYOCARDIOPATHY. Identifiers: Orphanet 217569, MedGen C0007194, MeSH D002312, MONDO:0005045, HP:0001639.

gnomAD v4.1: 1 of 1,613,834 alleles (0.000062%); highest among the groups gnomAD compares: Non-Finnish European, 0.000085%; no homozygotes.

Submission:

Labcorp Genetics (formerly Invitae), Labcorp
Classification: Uncertain significance for Hypertrophic cardiomyopathy. Last evaluated: 2021-12-21. Review status: criteria provided, single submitter. Criteria: Invitae Variant Classification Sherloc (09022015). Collection method: clinical testing. Allele origin: germline.
Comment: This variant is not present in population databases (gnomAD no frequency). Algorithms developed to predict the effect of missense changes on protein structure and function (SIFT, PolyPhen-2, Align-GVGD) all suggest that this variant is likely to be tolerated. In summary, the available evidence is currently insufficient to determine the role of this variant in disease. Therefore, it has been classified as a Variant of Uncertain Significance. This sequence change replaces proline, which is neutral and non-polar, with threonine, which is neutral and polar, at codon 924 of the MYOM1 protein (p.Pro924Thr). This variant has not been reported in the literature in individuals affected with MYOM1-related conditions.

NM_003803.4(MYOM1):c.2770C>A (p.Pro924Thr)

Gene: MYOM1 (myomesin 1; minus strand). Cytogenetic location: 18p11.31.
Variant type: single nucleotide variant.
Coding change: c.2770C>A on transcript NM_003803.4 (MANE Select); coding-DNA position 2770, C replaced by A.
Protein change: p.Pro924Thr; replaces proline 924 with threonine.
Molecular consequence: missense variant. On other transcripts: intron variant (1).
Genome position (GRCh38, 1-based): chr18:3,129,256, G>T on the plus strand (C>A on the coding strand, the complement: MYOM1 is on the minus strand). VCF-style: chr18-3129256-G-T. GRCh37 (hg19) VCF-style: chr18-3129254-G-T.
Other names: c.2506+2119C>A (NM_019856.2); short protein forms P924T.
Identifiers: ClinVar variation 2051335 (VCV002051335.4), dbSNP rs2510621228, ClinGen allele CA401709547.